The following is an entry in ClinVar:

NM_004304.5(ALK):c.102G>A (p.Ala34=)

Gene: ALK (ALK receptor tyrosine kinase; minus strand). Cytogenetic location: 2p23.1.
Variant type: single nucleotide variant.
Coding change: c.102G>A on transcript NM_004304.5 (MANE Select); coding-DNA position 102, G replaced by A.
Protein change: p.Ala34=; no amino-acid change (alanine 34 retained).
Molecular consequence: synonymous variant.
Genome position (GRCh38, 1-based): chr2:29,920,558, C>T on the plus strand (G>A on the coding strand, the complement: ALK is on the minus strand). VCF-style: chr2-29920558-C-T. GRCh37 (hg19) VCF-style: chr2-30143424-C-T.
Identifiers: ClinVar variation 515799 (VCV000515799.11), dbSNP rs561278614, ClinGen allele CA1595048.

ClinVar aggregate classification (germline): Likely benign. Review status: criteria provided, multiple submitters, no conflicts (2 of 4 stars). 3 submissions from 3 submitters: Likely benign (3). Last evaluated 2025-07-30.

Conditions:
Hereditary cancer-predisposing syndrome. Also called: Neoplastic Syndromes, Hereditary; Tumor predisposition; Hereditary Cancer Syndrome; Hereditary neoplastic syndrome. Identifiers: Orphanet 140162, MedGen C0027672, MeSH D009386, MONDO:0015356.
Neuroblastoma, susceptibility to, 3. Also called: ALK-Related Neuroblastic Tumor Susceptibility. Identifiers: Orphanet 635, MedGen C2751681, MONDO:0013083, OMIM 613014.

Allele frequency attached by ClinVar (database versions not stated): ExAC 0.00001; gnomAD 0.00001; gnomAD exomes 0.00001; TOPMed 0.00001; 1000 Genomes Project 0.00020; 1000 Genomes Project 30x 0.00031.
gnomAD v4.1: 7 of 1,601,372 alleles (0.00044%); highest among the groups gnomAD compares: African/African-American, 0.0027%; no homozygotes.

Submissions (3):

Labcorp Genetics (formerly Invitae), Labcorp
Classification: Likely benign for Neuroblastoma, susceptibility to, 3. Last evaluated: 2025-07-30. Review status: criteria provided, single submitter. Criteria: Invitae Variant Classification Sherloc (09022015). Collection method: clinical testing. Allele origin: germline.

Ambry Genetics
Classification: Likely benign for Hereditary cancer-predisposing syndrome. Last evaluated: 2022-06-17. Review status: criteria provided, single submitter. Criteria: Ambry Variant Classification Scheme 2023. Collection method: clinical testing. Allele origin: germline.

GeneDx
Classification: Likely benign. Last evaluated: 2018-02-27. Review status: criteria provided, single submitter. Criteria: GeneDx Variant Classification (06012015). Collection method: clinical testing. Allele origin: germline. Affected: yes.
Comment: This variant is considered likely benign or benign based on one or more of the following criteria: it is a conservative change, it occurs at a poorly conserved position in the protein, it is predicted to be benign by multiple in silico algorithms, and/or has population frequency not consistent with disease.